The following is an entry in ClinVar:

NM_000642.3(AGL):c.3549T>G (p.Tyr1183Ter)

Gene: AGL (amylo-alpha-1,6-glucosidase and 4-alpha-glucanotransferase; plus strand). Cytogenetic location: 1p21.2.
Variant type: single nucleotide variant.
Coding change: c.3549T>G on transcript NM_000642.3 (MANE Select); coding-DNA position 3549, T replaced by G.
Protein change: p.Tyr1183Ter; replaces tyrosine 1183 with a stop codon.
Molecular consequence: nonsense.
Genome position (GRCh38, 1-based): chr1:99,900,822, T>G. VCF-style: chr1-99900822-T-G. GRCh37 (hg19) VCF-style: chr1-100366378-T-G.
Other names: c.3210T>G, p.Tyr1070Ter (NM_001425329.1); c.3171T>G, p.Tyr1057Ter (NM_001425332.1); c.3549T>G, p.Tyr1183Ter (NM_000028.3, NM_000643.3, NM_000644.3 and 1 more transcripts); c.3501T>G, p.Tyr1167Ter (NM_000646.3); c.3528T>G, p.Tyr1176Ter (NM_001425326.1); c.3348T>G, p.Tyr1116Ter (NM_001425327.1); c.3345T>G, p.Tyr1115Ter (NM_001425328.1); short protein forms Y1183*, Y1167*, Y1057*, Y1070*, Y1115*, Y1116*, Y1176*.
Identifiers: ClinVar variation 2050717 (VCV002050717.5), dbSNP rs2523716613, ClinGen allele CA341332589.

ClinVar aggregate classification (germline): Pathogenic. Review status: criteria provided, multiple submitters, no conflicts (2 of 4 stars). 2 submissions from 2 submitters: Pathogenic (2). Last evaluated 2025-12-08.

Conditions:
Glycogen storage disease type III (GSD3). Also called: FORBES DISEASE; Cori disease. Identifiers: Orphanet 366, MedGen C0017922, MONDO:0009291, OMIM 232400.

Submissions (2):

Labcorp Genetics (formerly Invitae), Labcorp
Classification: Pathogenic for Glycogen storage disease type III. Last evaluated: 2025-12-08. Review status: criteria provided, single submitter. Criteria: Invitae Variant Classification Sherloc (09022015). Collection method: clinical testing. Allele origin: germline.
Comment: This sequence change creates a premature translational stop signal (p.Tyr1183*) in the AGL gene. It is expected to result in an absent or disrupted protein product. Loss-of-function variants in AGL are known to be pathogenic (PMID: 19299494). This variant is not present in population databases (gnomAD no frequency). This variant has not been reported in the literature in individuals affected with AGL-related conditions. ClinVar contains an entry for this variant (Variation ID: 2050717). Algorithms developed to predict the effect of sequence changes on RNA splicing suggest that this variant may disrupt the consensus splice site. For these reasons, this variant has been classified as Pathogenic.

Myriad Genetics, Inc.
Classification: Pathogenic for Glycogen storage disease type III. Last evaluated: 2025-10-16. Review status: criteria provided, single submitter. Criteria: Myriad Autosomal Dominant, Autosomal Recessive and X-Linked Classification Criteria (2023). Collection method: clinical testing. Allele origin: unknown.
Comment: NM_000642.2(AGL):c.3549T>G(Y1183*) is expected to be pathogenic in the context of glycogen storage disease type III. This variant is predicted to lead to an abnormal or absent protein product due to the creation of a premature termination codon in AGL, a gene where loss-of-function variants are known to be pathogenic. Please note: this variant was assessed in the context of healthy population screening.

Literature cited by the submitters: PubMed 19299494 (cited by Labcorp Genetics (formerly Invitae), Labcorp).